The following is an entry in ClinVar:

NM_001197104.2(KMT2A):c.7094_7095insT (p.Lys2365fs)

Gene: KMT2A (lysine methyltransferase 2A; plus strand). Cytogenetic location: 11q23.3.
Variant type: Insertion.
Coding change: c.7094_7095insT on transcript NM_001197104.2 (MANE Select); coding-DNA positions 7094 to 7095, T inserted.
Protein change: p.Lys2365fs; shifts the reading frame from lysine 2365.
Molecular consequence: frameshift variant.
Genome position: GRCh38 VCF-style: chr11-118502986-A-AT. GRCh37 (hg19) VCF-style: chr11-118373701-A-AT.
Other names: c.7184_7185insT, p.Lys2395fs (NM_001412597.1); c.7085_7086insT, p.Lys2362fs (NM_005933.4); short protein forms K2362fs, K2365fs, K2395fs.
Identifiers: ClinVar variation 4887295 (VCV004887295.1).

ClinVar aggregate classification (germline): Pathogenic (1 of 4 stars; one submission).

Conditions:
Wiedemann-Steiner syndrome (WDSTS). Also called: Growth deficiency and mental retardation with facial dysmorphism. Identifiers: Orphanet 319182, MedGen C1854630, MONDO:0011518, OMIM 605130.

Submission:

Women's Health and Genetics/Laboratory Corporation of America, LabCorp
Classification: Pathogenic for Wiedemann-Steiner syndrome. Last evaluated: 2026-06-12. Review status: criteria provided, single submitter. Criteria: LabCorp Variant Classification Summary - May 2015. Collection method: clinical testing. Allele origin: germline.
Comment: Variant summary: KMT2A c.7094_7095insT (p.Lys2365AsnfsX17) results in a premature termination codon, predicted to cause a truncation of the encoded protein or absence of the protein due to nonsense mediated decay, which are commonly known mechanisms for disease. The variant was absent in 251400 control chromosomes. c.7094_7095insT has been observed in at least one individual affected with Wiedemann-Steiner Syndrome (internal data). To our knowledge, no experimental evidence demonstrating an impact on protein function has been reported. No submitters have cited clinical-significance assessments for this variant to ClinVar. Based on the evidence outlined above, the variant was classified as pathogenic.